The following is an entry in ClinVar:

ClinVar aggregate classification (germline): Pathogenic (1 of 4 stars; one submission).

Conditions:
3-methylcrotonyl-CoA carboxylase 2 deficiency. Also called: 3 alpha methylcrotonyl-CoA carboxylase 2 deficiency; 3 alpha methylcrotonylglycinuria 2; MCC 2 deficiency; Methylcrotonylglycinuria type 2; METHYLCROTONYLGLYCINURIA, TYPE II. Identifiers: Orphanet 6, MedGen C1859499, MONDO:0008862, OMIM 210210.

Allele frequency attached by ClinVar (database versions not stated): gnomAD exomes below 0.00001.
gnomAD v4.1: 1 of 1,614,050 alleles (0.000062%); highest among the groups gnomAD compares: Non-Finnish European, 0.000085%; no homozygotes.

Submission:

Labcorp Genetics (formerly Invitae), Labcorp
Classification: Pathogenic for 3-methylcrotonyl-CoA carboxylase 2 deficiency. Last evaluated: 2024-05-06. Review status: criteria provided, single submitter. Criteria: Invitae Variant Classification Sherloc (09022015). Collection method: clinical testing. Allele origin: germline.
Comment: This sequence change replaces proline, which is neutral and non-polar, with threonine, which is neutral and polar, at codon 224 of the MCCC2 protein (p.Pro224Thr). This variant is not present in population databases (gnomAD no frequency). This missense change has been observed in individual(s) with biochemical features of 3 Methylcrotonyl-CoA carboxylase deficiency (Invitae). In at least one individual the data is consistent with being in trans (on the opposite chromosome) from a pathogenic variant. Advanced modeling of protein sequence and biophysical properties (such as structural, functional, and spatial information, amino acid conservation, physicochemical variation, residue mobility, and thermodynamic stability) performed at Invitae indicates that this missense variant is expected to disrupt MCCC2 protein function with a positive predictive value of 80%. This variant disrupts the p.Pro224 amino acid residue in MCCC2. Other variant(s) that disrupt this residue have been observed in individuals with MCCC2-related conditions (PMID: 22642865), which suggests that this may be a clinically significant amino acid residue. For these reasons, this variant has been classified as Pathogenic.

Literature cited by the submitters: PubMed 22642865.

NM_022132.5(MCCC2):c.670C>A (p.Pro224Thr)

Gene: MCCC2 (methylcrotonyl-CoA carboxylase subunit 2; plus strand). Cytogenetic location: 5q13.2.
Variant type: single nucleotide variant.
Coding change: c.670C>A on transcript NM_022132.5 (MANE Select); coding-DNA position 670, C replaced by A.
Protein change: p.Pro224Thr; replaces proline 224 with threonine.
Molecular consequence: missense variant. On other transcripts: intron variant (1).
Genome position (GRCh38, 1-based): chr5:71,626,685, C>A. VCF-style: chr5-71626685-C-A. GRCh37 (hg19) VCF-style: chr5-70922512-C-A.
Other names: c.625-5436C>A (NM_001363147.1); short protein forms P224T.
Identifiers: ClinVar variation 2803703 (VCV002803703.3), dbSNP rs2530808704, ClinGen allele CA359983326.